The following is an entry in ClinVar:

ClinVar aggregate classification (germline): Uncertain significance. Review status: criteria provided, multiple submitters, no conflicts (2 of 4 stars). 2 submissions from 2 submitters: Uncertain significance (2). Last evaluated 2024-08-07.

Conditions:
Hereditary nonpolyposis colorectal neoplasms. Identifiers: MedGen C0009405, MeSH D003123.
Hereditary cancer-predisposing syndrome. Also called: Neoplastic Syndromes, Hereditary; Hereditary Cancer Syndrome; Tumor predisposition; Hereditary neoplastic syndrome. Identifiers: Orphanet 140162, MedGen C0027672, MeSH D009386, MONDO:0015356.

Allele frequency attached by ClinVar (database versions not stated): gnomAD exomes below 0.00001.
gnomAD v4.1: 2 of 1,613,496 alleles (0.00012%); highest among the groups gnomAD compares: South Asian, 0.0011%; no homozygotes.

Submissions (2):

Labcorp Genetics (formerly Invitae), Labcorp
Classification: Uncertain significance for Hereditary nonpolyposis colorectal neoplasms. Last evaluated: 2024-08-07. Review status: criteria provided, single submitter. Criteria: Invitae Variant Classification Sherloc (09022015). Collection method: clinical testing. Allele origin: germline.
Comment: This sequence change replaces serine, which is neutral and polar, with cysteine, which is neutral and slightly polar, at codon 830 of the MSH6 protein (p.Ser830Cys). This variant is not present in population databases (gnomAD no frequency). This variant has not been reported in the literature in individuals affected with MSH6-related conditions. Advanced modeling of protein sequence and biophysical properties (such as structural, functional, and spatial information, amino acid conservation, physicochemical variation, residue mobility, and thermodynamic stability) performed at Invitae indicates that this missense variant is not expected to disrupt MSH6 protein function with a negative predictive value of 95%. In summary, the available evidence is currently insufficient to determine the role of this variant in disease. Therefore, it has been classified as a Variant of Uncertain Significance.

Ambry Genetics
Classification: Uncertain significance for Hereditary cancer-predisposing syndrome. Last evaluated: 2023-12-12. Review status: criteria provided, single submitter. Criteria: Ambry Variant Classification Scheme 2023. Collection method: clinical testing. Allele origin: germline.
Comment: The p.S830C variant (also known as c.2489C>G), located in coding exon 4 of the MSH6 gene, results from a C to G substitution at nucleotide position 2489. The serine at codon 830 is replaced by cysteine, an amino acid with dissimilar properties. This amino acid position is highly conserved through mammals but not in all available vertebrate species. In addition, the in silico prediction for this alteration is inconclusive. Since supporting evidence is limited at this time, the clinical significance of this alteration remains unclear.

Literature cited by the submitters: PubMed 36200007 (cited by Ambry Genetics).

NM_000179.3(MSH6):c.2489C>G (p.Ser830Cys)

Gene: MSH6 (mutS homolog 6; plus strand). Cytogenetic location: 2p16.3.
Variant type: single nucleotide variant.
Coding change: c.2489C>G on transcript NM_000179.3 (MANE Select); coding-DNA position 2489, C replaced by G.
Protein change: p.Ser830Cys; replaces serine 830 with cysteine.
Molecular consequence: missense variant. On other transcripts: non-coding transcript variant (5), intron variant (3).
Genome position (GRCh38, 1-based): chr2:47,800,472, C>G. VCF-style: chr2-47800472-C-G. GRCh37 (hg19) VCF-style: chr2-48027611-C-G.
Other names: c.2099C>G, p.Ser700Cys (NM_001281492.2); c.1583C>G, p.Ser528Cys (NM_001281493.2, NM_001281494.2, NM_001406811.1 and 6 more transcripts); c.2585C>G, p.Ser862Cys (NM_001406795.1, NM_001406802.1); c.2489C>G, p.Ser830Cys (NM_001406796.1, NM_001406798.1, NM_001406800.1 and 2 more transcripts); c.2192C>G, p.Ser731Cys (NM_001406797.1, NM_001406801.1, NM_001406805.1 and 10 more transcripts); c.1964C>G, p.Ser655Cys (NM_001406799.1, NM_001406806.1, NM_001406807.1); c.2411C>G, p.Ser804Cys (NM_001406804.1); c.2495C>G, p.Ser832Cys (NM_001406813.1); and 4 more; short protein forms S700C, S774C, S832C, S528C, S655C, S731C, S804C, S830C.
Identifiers: ClinVar variation 2753195 (VCV002753195.4), dbSNP rs1669469593, ClinGen allele CA346754202.